The following is an entry in ClinVar:

ClinVar aggregate classification (germline): Uncertain significance (1 of 4 stars; one submission).

Allele frequency attached by ClinVar (database versions not stated): gnomAD exomes below 0.00001; gnomAD 0.00001; TOPMed 0.00002.
gnomAD v4.1: 8 of 1,613,920 alleles (0.0005%); highest among the groups gnomAD compares: Middle Eastern, 0.016%; no homozygotes.

Submission:

Labcorp Genetics (formerly Invitae), Labcorp
Classification: Uncertain significance. Last evaluated: 2025-10-02. Review status: criteria provided, single submitter. Criteria: Invitae Variant Classification Sherloc (09022015). Collection method: clinical testing. Allele origin: germline.
Comment: This sequence change replaces arginine, which is basic and polar, with tryptophan, which is neutral and slightly polar, at codon 629 of the ADGRE2 protein (p.Arg629Trp). This variant is present in population databases (no rsID available, gnomAD 0.01%). This variant has not been reported in the literature in individuals affected with ADGRE2-related conditions. ClinVar contains an entry for this variant (Variation ID: 2176689). An algorithm developed to predict the effect of missense changes on protein structure and function (PolyPhen-2) suggests that this variant is likely to be disruptive. In summary, the available evidence is currently insufficient to determine the role of this variant in disease. Therefore, it has been classified as a Variant of Uncertain Significance.

NM_013447.4(ADGRE2):c.1885C>T (p.Arg629Trp)

Gene: ADGRE2 (adhesion G protein-coupled receptor E2; minus strand). Cytogenetic location: 19p13.12.
Variant type: single nucleotide variant.
Coding change: c.1885C>T on transcript NM_013447.4 (MANE Select); coding-DNA position 1885, C replaced by T.
Protein change: p.Arg629Trp; replaces arginine 629 with tryptophan.
Molecular consequence: missense variant.
Genome position (GRCh38, 1-based): chr19:14,751,575, G>A on the plus strand (C>T on the coding strand, the complement: ADGRE2 is on the minus strand). VCF-style: chr19-14751575-G-A. GRCh37 (hg19) VCF-style: chr19-14862387-G-A.
Other names: c.1711C>T, p.Arg571Trp (NM_001271052.1); c.1738C>T, p.Arg580Trp (NM_152916.2); c.1606C>T, p.Arg536Trp (NM_152917.2); short protein forms R536W, R571W, R629W, R580W.
Identifiers: ClinVar variation 2176689 (VCV002176689.4), dbSNP rs1359045292, ClinGen allele CA404452987.